The following is an entry in ClinVar:

ClinVar aggregate classification (germline): Uncertain significance (0 of 4 stars; one submission).

Submission:

Laboratory for Molecular Medicine, Mass General Brigham Personalized Medicine
Classification: Uncertain significance. Last evaluated: 2014-04-04. Review status: no assertion criteria provided. Collection method: clinical testing. Allele origin: germline. Observed: 2 variant alleles.
Comment: proposed classification - variant undergoing re-assessment, contact laboratory

NM_000257.4(MYH7):c.742A>T (p.Ile248Phe)

Gene: MYH7 (myosin heavy chain 7; minus strand). Cytogenetic location: 14q11.2.
Variant type: single nucleotide variant.
Coding change: c.742A>T on transcript NM_000257.4 (MANE Select); coding-DNA position 742, A replaced by T.
Protein change: p.Ile248Phe; replaces isoleucine 248 with phenylalanine.
Molecular consequence: missense variant.
Genome position (GRCh38, 1-based): chr14:23,431,472, T>A on the plus strand (A>T on the coding strand, the complement: MYH7 is on the minus strand). VCF-style: chr14-23431472-T-A. GRCh37 (hg19) VCF-style: chr14-23900681-T-A.
Other names: short protein forms I248F.
Identifiers: ClinVar variation 164391 (VCV000164391.4), dbSNP rs727503275, ClinGen allele CA016758.
Genomic context (GRCh38, chr14:23,431,472, plus strand): 5'-ACTCACAGGTCTCTATGTCTGCAGATGCCAACTTTCCTGTTGCCCCAAAATGAATTCGAA[T>A]GAATTTCCCCTGGAGAGATGGAAGAGAGTGGTGATGAGTTGGGGGAAGGCTCATATCTGA-3'
Protein context (NP_000248.2, residues 238-258): NDNSSRFGKF[Ile248Phe]RIHFGATGKL